The following is an entry in ClinVar:

NM_021098.3(CACNA1H):c.2039G>T (p.Ser680Ile)

Gene: CACNA1H (calcium voltage-gated channel subunit alpha1 H; plus strand). Cytogenetic location: 16p13.3.
Variant type: single nucleotide variant.
Coding change: c.2039G>T on transcript NM_021098.3 (MANE Select); coding-DNA position 2039, G replaced by T.
Protein change: p.Ser680Ile; replaces serine 680 with isoleucine.
Molecular consequence: missense variant.
Genome position (GRCh38, 1-based): chr16:1,204,046, G>T. VCF-style: chr16-1204046-G-T. GRCh37 (hg19) VCF-style: chr16-1254046-G-T.
Other names: c.2039G>T, p.Ser680Ile (NM_001005407.2); short protein forms S680I.
Identifiers: ClinVar variation 2938849 (VCV002938849.3), dbSNP rs371925462, ClinGen allele CA394165358.
Genomic context (GRCh38, chr16:1,204,046, plus strand): 5'-CCCTGTCTGTGCCCTCTCCCGCAGGACTGGGCCAGGCCCCTGGCCATCTGTCGGGCCTCA[G>T]TGTGCCCTGCCCCCTGCCCAGCCCCCCAGCGGGCACACTGACCTGTGAGCTGAAGAGCTG-3'
Protein context (NP_066921.2, residues 670-690): GQAPGHLSGL[Ser680Ile]VPCPLPSPPA

ClinVar aggregate classification (germline): Uncertain significance (1 of 4 stars; one submission).

Conditions:
Hyperaldosteronism, familial, type IV (HALD4). Also called: FH IV; ALDOSTERONISM, PRIMARY, AND HYPERTENSION. Identifiers: Orphanet 642671, MedGen C4310756, MONDO:0014875, OMIM 617027.
Idiopathic generalized epilepsy. Also called: EIG; Generalised epilepsy. Identifiers: MedGen C0270850, MONDO:0005579, OMIM 600669.

gnomAD v4.1: 1 of 1,583,662 alleles (0.000063%); highest among the groups gnomAD compares: Non-Finnish European, 0.000086%; no homozygotes.

Submission:

Labcorp Genetics (formerly Invitae), Labcorp
Classification: Uncertain significance for Idiopathic generalized epilepsy; Hyperaldosteronism, familial, type IV. Last evaluated: 2023-06-24. Review status: criteria provided, single submitter. Criteria: Invitae Variant Classification Sherloc (09022015). Collection method: clinical testing. Allele origin: germline.
Comment: In summary, the available evidence is currently insufficient to determine the role of this variant in disease. Therefore, it has been classified as a Variant of Uncertain Significance. Algorithms developed to predict the effect of sequence changes on RNA splicing suggest that this variant may create or strengthen a splice site. Advanced modeling of protein sequence and biophysical properties (such as structural, functional, and spatial information, amino acid conservation, physicochemical variation, residue mobility, and thermodynamic stability) performed at Invitae indicates that this missense variant is not expected to disrupt CACNA1H protein function. This variant has not been reported in the literature in individuals affected with CACNA1H-related conditions. This variant is not present in population databases (gnomAD no frequency). This sequence change replaces serine, which is neutral and polar, with isoleucine, which is neutral and non-polar, at codon 680 of the CACNA1H protein (p.Ser680Ile).